The following is an entry in ClinVar:

NM_002458.3(MUC5B):c.2139C>T (p.Arg713=)

Gene: MUC5B (mucin 5B, oligomeric mucus/gel-forming; plus strand). Cytogenetic location: 11p15.5.
Variant type: single nucleotide variant.
Coding change: c.2139C>T on transcript NM_002458.3 (MANE Select); coding-DNA position 2139, C replaced by T.
Protein change: p.Arg713=; no amino-acid change (arginine 713 retained).
Molecular consequence: synonymous variant.
Genome position (GRCh38, 1-based): chr11:1,233,086, C>T. VCF-style: chr11-1233086-C-T. GRCh37 (hg19) VCF-style: chr11-1254316-C-T.
Identifiers: ClinVar variation 2641186 (VCV002641186.24), dbSNP rs553890416, ClinGen allele CA5804586.
Genomic context (GRCh38, chr11:1,233,086, plus strand): 5'-GAACTGCCCCAAGTCCCAGCGCTACGCCTACGTGGTGGATGCCTGCCAGCCCACTTGCCG[C>T]GGCCTGAGTGAGGCCGACGTCACCTGCAGCGTTTCCTTCGTGCCTGTGGACGGCTGCACC-3'
Protein context (NP_002449.2, residues 703-723): YVVDACQPTC[Arg713=]GLSEADVTCS

ClinVar aggregate classification (germline): Likely benign (1 of 4 stars; one submission).

Allele frequency attached by ClinVar (database versions not stated): TOPMed 0.00002; gnomAD 0.00008; 1000 Genomes Project 30x 0.00078; 1000 Genomes Project 0.00100.
gnomAD v4.1: 210 of 1,607,348 alleles (0.013%); highest among the groups gnomAD compares: South Asian, 0.17%; 7 homozygotes.

Submission:

CeGaT Center for Human Genetics Tuebingen
Classification: Likely benign. Last evaluated: 2022-12-01. Review status: criteria provided, single submitter. Criteria: CeGaT Center For Human Genetics Tuebingen Variant Classification Criteria Version 2. Collection method: clinical testing. Allele origin: germline. Affected: yes. Observed: 1 variant allele.
Comment: MUC5B: BP4, BP7